The following is an entry in ClinVar:

ClinVar aggregate classification (germline): Likely benign. Review status: criteria provided, multiple submitters, no conflicts (2 of 4 stars). 4 submissions from 4 submitters: Likely benign (3). 1 of the submissions does not count toward it. Last evaluated 2025-11-23.

Conditions:
WDPCP-related disorder. Also called: WDPCP-related condition.
Bardet-Biedl syndrome (BBS). Identifiers: Orphanet 110, MedGen C0752166, MONDO:0015229.

Allele frequency attached by ClinVar (database versions not stated): gnomAD 0.00004 and 0.00006; TOPMed 0.00008; ESP Exome Variant Server 0.00009; gnomAD exomes 0.00011; ExAC 0.00012; 1000 Genomes Project 0.00040; 1000 Genomes Project 30x 0.00047.
gnomAD v4.1: 100 of 1,612,158 alleles (0.0062%); highest among the groups gnomAD compares: East Asian, 0.15%; no homozygotes.

Submissions (4):

Labcorp Genetics (formerly Invitae), Labcorp
Classification: Likely benign for Bardet-Biedl syndrome. Last evaluated: 2025-11-23. Review status: criteria provided, single submitter. Criteria: Invitae Variant Classification Sherloc (09022015). Collection method: clinical testing. Allele origin: germline.

Blueprint Genetics
Classification: Likely benign. Last evaluated: 2024-07-15. Review status: criteria provided, single submitter. Criteria: ACMG Guidelines, 2015. Collection method: clinical testing. Allele origin: germline.

Breakthrough Genomics
Classification: Likely benign. Review status: criteria provided, single submitter. Criteria: ACMG Guidelines, 2015. Collection method: not provided. Allele origin: germline. Inheritance: Autosomal recessive inheritance. Affected: yes.

PreventionGenetics, part of Exact Sciences
Classification: Likely benign for WDPCP-related condition. Last evaluated: 2021-10-15. Review status: no assertion criteria provided. Collection method: clinical testing. Allele origin: germline. Not counted in ClinVar's aggregate classification.
Comment: This variant is classified as likely benign based on ACMG/AMP sequence variant interpretation guidelines (Richards et al. 2015 PMID: 25741868, with internal and published modifications).

NM_015910.7(WDPCP):c.2160C>T (p.Asp720=)

Gene: WDPCP (WD repeat containing planar cell polarity effector; minus strand). Cytogenetic location: 2p15.
Variant type: single nucleotide variant.
Coding change: c.2160C>T on transcript NM_015910.7 (MANE Select); coding-DNA position 2160, C replaced by T.
Protein change: p.Asp720=; no amino-acid change (aspartic acid 720 retained).
Molecular consequence: synonymous variant. On other transcripts: non-coding transcript variant (3).
Genome position (GRCh38, 1-based): chr2:63,152,944, G>A on the plus strand (C>T on the coding strand, the complement: WDPCP is on the minus strand). VCF-style: chr2-63152944-G-A. GRCh37 (hg19) VCF-style: chr2-63380079-G-A.
Other names: c.1683C>T, p.Asp561= (NM_001042692.3); c.2088C>T, p.Asp696= (NM_001354044.2); c.2160C>T (NM_015910.5).
Identifiers: ClinVar variation 1138927 (VCV001138927.11), dbSNP rs372727422, ClinGen allele CA1681972.